The following is an entry in ClinVar:

NM_182914.3(SYNE2):c.10378T>C (p.Trp3460Arg)

Gene: SYNE2 (spectrin repeat containing nuclear envelope protein 2; plus strand). Cytogenetic location: 14q23.2.
Variant type: single nucleotide variant.
Coding change: c.10378T>C on transcript NM_182914.3 (MANE Select); coding-DNA position 10378, T replaced by C.
Protein change: p.Trp3460Arg; replaces tryptophan 3460 with arginine.
Molecular consequence: missense variant.
Genome position (GRCh38, 1-based): chr14:64,065,597, T>C. VCF-style: chr14-64065597-T-C. GRCh37 (hg19) VCF-style: chr14-64532315-T-C.
Other names: c.10378T>C, p.Trp3460Arg (NM_015180.6); short protein forms W3460R.
Identifiers: ClinVar variation 881632 (VCV000881632.7), dbSNP rs1369723578, ClinGen allele CA389991658.
Genomic context (GRCh38, chr14:64,065,597, plus strand): 5'-CTCAAGATTGTGTCGGCTCTGTGGGAGAAATGGCTGAGTTTGCTGGAAGCTGCTAAAGAG[T>C]GGGAGATGTGGTGCGAAGAACTGAAGCAGGAATGGAAATTTGTCAGTGAAGAAGTGAGTG-3'
Protein context (NP_878918.2, residues 3450-3470): WLSLLEAAKE[Trp3460Arg]EMWCEELKQE

ClinVar aggregate classification (germline): Uncertain significance. Review status: criteria provided, multiple submitters, no conflicts (2 of 4 stars). 2 submissions from 2 submitters: Uncertain significance (2). Last evaluated 2024-05-24.

Conditions:
Emery-Dreifuss muscular dystrophy 5, autosomal dominant (EDMD5). Also called: EMERY-DREIFUSS MUSCULAR DYSTROPHY 5. Identifiers: Orphanet 261, MedGen C2751805, MONDO:0013072, OMIM 612999.

Allele frequency attached by ClinVar (database versions not stated): gnomAD exomes below 0.00001.
gnomAD v4.1: 2 of 1,613,832 alleles (0.00012%); highest among the groups gnomAD compares: Non-Finnish European, 0.00017%; no homozygotes.

Submissions (2):

Labcorp Genetics (formerly Invitae), Labcorp
Classification: Uncertain significance for Emery-Dreifuss muscular dystrophy 5, autosomal dominant. Last evaluated: 2024-05-24. Review status: criteria provided, single submitter. Criteria: Invitae Variant Classification Sherloc (09022015). Collection method: clinical testing. Allele origin: germline.
Comment: This sequence change replaces tryptophan, which is neutral and slightly polar, with arginine, which is basic and polar, at codon 3460 of the SYNE2 protein (p.Trp3460Arg). This variant is not present in population databases (gnomAD no frequency). This variant has not been reported in the literature in individuals affected with SYNE2-related conditions. ClinVar contains an entry for this variant (Variation ID: 881632). An algorithm developed to predict the effect of missense changes on protein structure and function (PolyPhen-2) suggests that this variant is likely to be disruptive. In summary, the available evidence is currently insufficient to determine the role of this variant in disease. Therefore, it has been classified as a Variant of Uncertain Significance.

Illumina Laboratory Services, Illumina
Classification: Uncertain significance for Emery-Dreifuss muscular dystrophy 5, autosomal dominant. Last evaluated: 2018-01-12. Review status: criteria provided, single submitter. Criteria: ICSL Variant Classification Criteria 13 December 2019. Collection method: clinical testing. Allele origin: germline.